The following is an entry in ClinVar:

ClinVar aggregate classification (germline): Likely pathogenic (1 of 4 stars; one submission).

Submission:

GeneDx
Classification: Likely pathogenic. Last evaluated: 2017-11-07. Review status: criteria provided, single submitter. Criteria: GeneDx Variant Classification (06012015). Collection method: clinical testing. Allele origin: germline. Affected: yes.
Comment: The c.3562_3563dupTC variant in the DEPDC5 gene has not been reported previously as a pathogenic variant nor as a benign variant, to our knowledge. The c.3562_3563dupTC variant causes a frameshift starting with codon Threonine 1189, changes this amino acid to an Arginine residue, and creates a premature Stop codon at position 28 of the new reading frame, denoted p.Thr1189ArgfsX28. This variant is predicted to cause loss of normal protein function either through protein truncation or nonsense-mediated mRNA decay. The c.3562_3563dupTC variant is not observed in large population cohorts (Lek et al., 2016). We interpret c.3562_3563dupTC as a likely pathogenic variant.

NM_001242896.3(DEPDC5):c.3562_3563dup (p.Thr1189fs)

Gene: DEPDC5 (DEP domain containing 5, GATOR1 subcomplex subunit; plus strand). Cytogenetic location: 22q12.3.
Variant type: Duplication.
Coding change: c.3562_3563dup on transcript NM_001242896.3 (MANE Select); coding-DNA positions 3562 to 3563, 2 bases duplicated (TC; older notation c.3562_3563dupTC).
Protein change: p.Thr1189fs; shifts the reading frame from threonine 1189.
Molecular consequence: frameshift variant. On other transcripts: non-coding transcript variant (4).
Genome position (GRCh38, 1-based): chr22:31,873,331-31,873,332, TC duplicated; duplicating any 2 consecutive bases within chr22:31,873,330-31,873,332 gives the same sequence; the c. name uses the placement nearest the transcript's 3' end. VCF-style (leftmost placement, unchanged base first): chr22-31873329-C-CCT. GRCh37 (hg19) VCF-style: chr22-32269315-C-CCT.
Other names: c.3535_3536dup, p.Thr1180fs (NM_001136029.4); c.3262_3263dup, p.Thr1089fs (NM_001242897.2); c.3496_3497dup, p.Thr1167fs (NM_001363852.2, NM_001364320.2); c.3328_3329dup, p.Thr1111fs (NM_001363854.2, NM_001364319.2); c.3562_3563dup, p.Thr1189fs (NM_001364318.2); c.3478_3479dup, p.Thr1161fs (NM_001369901.1, NM_001369902.1); c.3469_3470dup, p.Thr1158fs (NM_001369903.1, NM_014662.6); c.3562_3563dupTC (NM_001242896.1); short protein forms T1089fs, T1161fs, T1180fs, T1189fs, T1167fs, T1111fs, T1158fs.
Identifiers: ClinVar variation 453206 (VCV000453206.1), dbSNP rs1555914806, ClinGen allele CA658658918.